The following is an entry in ClinVar:

ClinVar aggregate classification (germline): Uncertain significance (1 of 4 stars; one submission).

Conditions:
Dyskeratosis congenita. Identifiers: Orphanet 1775, MedGen C0265965, MONDO:0015780.

Allele frequency attached by ClinVar (database versions not stated): gnomAD exomes 0.00001.
gnomAD v4.1: 3 of 1,199,265 alleles (0.00025%); highest among the groups gnomAD compares: Non-Finnish European, 0.00034%; no homozygotes.

Submission:

Labcorp Genetics (formerly Invitae), Labcorp
Classification: Uncertain significance for Dyskeratosis congenita. Last evaluated: 2021-09-01. Review status: criteria provided, single submitter. Criteria: Invitae Variant Classification Sherloc (09022015). Collection method: clinical testing. Allele origin: germline.
Comment: This sequence change replaces glycine with glutamic acid at codon 486 of the DKC1 protein (p.Gly486Glu). The glycine residue is weakly conserved and there is a moderate physicochemical difference between glycine and glutamic acid. This variant is not present in population databases (ExAC no frequency). This variant has not been reported in the literature in individuals affected with DKC1-related conditions. Algorithms developed to predict the effect of missense changes on protein structure and function output the following: SIFT: "Tolerated"; PolyPhen-2: "Benign"; Align-GVGD: "Class C0". The glutamic acid amino acid residue is found in multiple mammalian species, which suggests that this missense change does not adversely affect protein function. In summary, the available evidence is currently insufficient to determine the role of this variant in disease. Therefore, it has been classified as a Variant of Uncertain Significance.

NM_001363.5(DKC1):c.1457G>A (p.Gly486Glu)

Gene: DKC1 (dyskerin pseudouridine synthase 1; plus strand). Cytogenetic location: Xq28.
Variant type: single nucleotide variant.
Coding change: c.1457G>A on transcript NM_001363.5 (MANE Select); coding-DNA position 1457, G replaced by A.
Protein change: p.Gly486Glu; replaces glycine 486 with glutamic acid.
Molecular consequence: missense variant. On other transcripts: 3 prime UTR variant (1), non-coding transcript variant (3).
Genome position (GRCh38, 1-based): chrX:154,776,305, G>A. VCF-style: chrX-154776305-G-A. GRCh37 (hg19) VCF-style: chrX-154004580-G-A.
Other names: c.1442G>A, p.Gly481Glu (NM_001142463.3); c.*683G>A (NM_001288747.2); short protein forms G486E, G481E.
Identifiers: ClinVar variation 960056 (VCV000960056.7), dbSNP rs1557265697, ClinGen allele CA414900397.
Genomic context (GRCh38, chrX:154,776,305, plus strand): 5'-TCAAGAAGGAAAAGAAGAAGAGTAAGAAGGACAAGAAGGCCAAAGCTGGTCTGGAGAGCG[G>A]GGCCGAGCCTGGAGATGGGGTGTGTGGAAACACGTTCAGGTTCCTTGGGCTGGCTTAGTC-3'
Protein context (NP_001354.1, residues 476-496): DKKAKAGLES[Gly486Glu]AEPGDGDSDT